The following is an entry in ClinVar:

ClinVar aggregate classification (germline): Likely benign. Review status: criteria provided, multiple submitters, no conflicts (2 of 4 stars). 2 submissions from 2 submitters: Likely benign (2). Last evaluated 2023-04-15.

Allele frequency attached by ClinVar (database versions not stated): gnomAD exomes below 0.00001; ExAC 0.00001.

Submissions (2):

Labcorp Genetics (formerly Invitae), Labcorp
Classification: Likely benign. Last evaluated: 2023-04-15. Review status: criteria provided, single submitter. Criteria: Invitae Variant Classification Sherloc (09022015). Collection method: clinical testing. Allele origin: germline.

GeneDx
Classification: Likely benign. Last evaluated: 2016-07-29. Review status: criteria provided, single submitter. Criteria: GeneDx Variant Classification (06012015). Collection method: clinical testing. Allele origin: germline. Affected: yes.
Comment: This variant is considered likely benign or benign based on one or more of the following criteria: it is a conservative change, it occurs at a poorly conserved position in the protein, it is predicted to be benign by multiple in silico algorithms, and/or has population frequency not consistent with disease.

NM_001083961.2(WDR62):c.700-15C>A

Gene: WDR62 (WD repeat domain 62; plus strand). Cytogenetic location: 19q13.12.
Variant type: single nucleotide variant.
Coding change: c.700-15C>A on transcript NM_001083961.2 (MANE Select); 15 bases into the intron before coding-DNA position 700, C replaced by A.
Molecular consequence: intron variant.
Genome position (GRCh38, 1-based): chr19:36,067,813, C>A. VCF-style: chr19-36067813-C-A. GRCh37 (hg19) VCF-style: chr19-36558715-C-A.
Other names: c.700-15C>A (NM_173636.5).
Identifiers: ClinVar variation 388180 (VCV000388180.4), dbSNP rs750692440, ClinGen allele CA9395366.